The following is an entry in ClinVar:

ClinVar aggregate classification (germline): Uncertain significance (1 of 4 stars; one submission).

Conditions:
Inflammatory skin and bowel disease, neonatal, 1. Identifiers: Orphanet 294023, MedGen C3280501, MONDO:0013693, OMIM 614328.

Allele frequency attached by ClinVar (database versions not stated): ExAC 0.00001; gnomAD exomes 0.00002; TOPMed 0.00002; gnomAD 0.00003.
gnomAD v4.1: 29 of 1,614,070 alleles (0.0018%); highest among the groups gnomAD compares: African/African-American, 0.0013%; no homozygotes.

Submission:

Labcorp Genetics (formerly Invitae), Labcorp
Classification: Uncertain significance for Inflammatory skin and bowel disease, neonatal, 1. Last evaluated: 2021-08-11. Review status: criteria provided, single submitter. Criteria: Invitae Variant Classification Sherloc (09022015). Collection method: clinical testing. Allele origin: germline.
Comment: Algorithms developed to predict the effect of missense changes on protein structure and function are either unavailable or do not agree on the potential impact of this missense change (SIFT: "Deleterious"; PolyPhen-2: "Probably Damaging"; Align-GVGD: "Class 0"). This variant has not been reported in the literature in individuals with ADAM17-related conditions. This sequence change replaces aspartic acid with asparagine at codon 794 of the ADAM17 protein (p.Asp794Asn). The¬†aspartic acid¬†residue is highly conserved and there is a small physicochemical difference between¬†aspartic acid¬†and asparagine. This variant is present in population databases (rs749860291, ExAC 0.001%). In summary, the available evidence is currently insufficient to determine the role of this variant in disease. Therefore, it has been classified as a Variant of Uncertain Significance.

NM_003183.6(ADAM17):c.2380G>A (p.Asp794Asn)

Genes: ADAM17 (ADAM metallopeptidase domain 17; minus strand), IAH1 (isoamyl acetate hydrolyzing esterase 1 (putative); plus strand). Cytogenetic location: 2p25.1.
Variant type: single nucleotide variant.
Coding change: c.2380G>A on transcript NM_003183.6 (MANE Select); coding-DNA position 2380, G replaced by A.
Protein change: p.Asp794Asn; replaces aspartic acid 794 with asparagine.
Molecular consequence: missense variant.
Genome position (GRCh38, 1-based): chr2:9,490,272, C>T on the plus strand (G>A on the coding strand, the complement: ADAM17 is on the minus strand). VCF-style: chr2-9490272-C-T. GRCh37 (hg19) VCF-style: chr2-9630401-C-T.
Other names: c.2380G>A, p.Asp794Asn (LRG_1203t1); short protein forms D794N.
Identifiers: ClinVar variation 652205 (VCV000652205.5), dbSNP rs749860291, ClinGen allele CA1523229.